The following is an entry in ClinVar:

NM_001458.5(FLNC):c.5576G>A (p.Ser1859Asn)

Genes: FLNC-AS1 (FLNC antisense RNA 1; minus strand), FLNC (filamin C; plus strand). Cytogenetic location: 7q32.1.
Variant type: single nucleotide variant.
Coding change: c.5576G>A on transcript NM_001458.5 (MANE Select); coding-DNA position 5576, G replaced by A.
Protein change: p.Ser1859Asn; replaces serine 1859 with asparagine.
Molecular consequence: missense variant.
Genome position (GRCh38, 1-based): chr7:128,851,268, G>A. VCF-style: chr7-128851268-G-A. GRCh37 (hg19) VCF-style: chr7-128491322-G-A.
Other names: c.5477G>A, p.Ser1826Asn (NM_001127487.2); short protein forms S1826N, S1859N.
Identifiers: ClinVar variation 2500453 (VCV002500453.4), dbSNP rs2536655693, ClinGen allele CA369207328.
Genomic context (GRCh38, chr7:128,851,268, plus strand): 5'-CCCCCTTTTTCTCTGTATCCCCAGGGAGCCCCTTACAGTTCTATGTGGATGCCATCAACA[G>A]CCGCCATGTCAGTGCCTATGGGCCAGGCCTGAGCCATGGCATGGTCAACAAGCCAGCCAC-3'
Protein context (NP_001449.3, residues 1849-1869): PLQFYVDAIN[Ser1859Asn]RHVSAYGPGL

ClinVar aggregate classification (germline): Uncertain significance. Review status: criteria provided, multiple submitters, no conflicts (2 of 4 stars). 2 submissions from 2 submitters: Uncertain significance (2). Last evaluated 2023-03-12.

Conditions:
Myofibrillar myopathy 5. Also called: Filaminopathy (type); FILAMINOPATHY, AUTOSOMAL DOMINANT. Identifiers: Orphanet 171445, MedGen C1836050, MONDO:0012289, OMIM 609524.
Distal myopathy with posterior leg and anterior hand involvement. Also called: WILLIAMS DISTAL MYOPATHY. Identifiers: Orphanet 63273, MedGen C3279722, MONDO:0013550, OMIM 614065.
Hypertrophic cardiomyopathy 26. Also called: Cardiomyopathy, familial hypertrophic, 26. Identifiers: Orphanet 75249, MedGen C4310749, MONDO:0014883, OMIM 617047.

Submissions (2):

Labcorp Genetics (formerly Invitae), Labcorp
Classification: Uncertain significance for Distal myopathy with posterior leg and anterior hand involvement; Myofibrillar myopathy 5; Hypertrophic cardiomyopathy 26. Last evaluated: 2023-03-12. Review status: criteria provided, single submitter. Criteria: Invitae Variant Classification Sherloc (09022015). Collection method: clinical testing. Allele origin: germline.
Comment: In summary, the available evidence is currently insufficient to determine the role of this variant in disease. Therefore, it has been classified as a Variant of Uncertain Significance. Advanced modeling of protein sequence and biophysical properties (such as structural, functional, and spatial information, amino acid conservation, physicochemical variation, residue mobility, and thermodynamic stability) has been performed at Invitae for this missense variant, however the output from this modeling did not meet the statistical confidence thresholds required to predict the impact of this variant on FLNC protein function. This variant has not been reported in the literature in individuals affected with FLNC-related conditions. This variant is not present in population databases (gnomAD no frequency). This sequence change replaces serine, which is neutral and polar, with asparagine, which is neutral and polar, at codon 1859 of the FLNC protein (p.Ser1859Asn).

GeneDx
Classification: Uncertain significance. Last evaluated: 2022-11-01. Review status: criteria provided, single submitter. Criteria: GeneDx Variant Classification Process June 2021. Collection method: clinical testing. Allele origin: germline. Affected: yes.
Comment: Not observed at significant frequency in large population cohorts (gnomAD); In silico analysis supports that this missense variant has a deleterious effect on protein structure/function; Has not been previously published as pathogenic or benign to our knowledge